The following is an entry in ClinVar:

NM_000337.6(SGCD):c.575+167A>C

Gene: SGCD (sarcoglycan delta; plus strand). Cytogenetic location: 5q33.3.
Variant type: single nucleotide variant.
Coding change: c.575+167A>C on transcript NM_000337.6 (MANE Select); 167 bases into the intron after coding-DNA position 575, A replaced by C.
Molecular consequence: intron variant.
Genome position (GRCh38, 1-based): chr5:156,647,703, A>C. VCF-style: chr5-156647703-A-C. GRCh37 (hg19) VCF-style: chr5-156074713-A-C.
Other names: c.572+167A>C (NM_001128209.2); c.575+167A>C (NM_172244.3).
Identifiers: ClinVar variation 672042 (VCV000672042.1), dbSNP rs32055, ClinGen allele CA16246302.

ClinVar aggregate classification (germline): Benign (1 of 4 stars; one submission).

Allele frequency attached by ClinVar (database versions not stated): gnomAD 0.91772 and 0.91859; TOPMed 0.92136; 1000 Genomes Project 0.93710; 1000 Genomes Project 30x 0.93785.
gnomAD v4.1: 139,661 of 152,124 alleles (92%); highest among the groups gnomAD compares: East Asian, 99%; 64,277 homozygotes.

Submission:

GeneDx
Classification: Benign. Last evaluated: 2018-06-14. Review status: criteria provided, single submitter. Criteria: GeneDx Variant Classification (06012015). Collection method: clinical testing. Allele origin: germline. Affected: yes.
Comment: This variant is considered likely benign or benign based on one or more of the following criteria: it is a conservative change, it occurs at a poorly conserved position in the protein, it is predicted to be benign by multiple in silico algorithms, and/or has population frequency not consistent with disease.